The following is an entry in ClinVar:

ClinVar aggregate classification (germline): Likely benign (1 of 4 stars; one submission).

Allele frequency attached by ClinVar (database versions not stated): gnomAD exomes 0.00106; gnomAD 0.00115; 1000 Genomes Project 30x 0.00125; TOPMed 0.00137; ExAC 0.00521.

Submission:

CeGaT Center for Human Genetics Tuebingen
Classification: Likely benign. Last evaluated: 2023-07-01. Review status: criteria provided, single submitter. Criteria: CeGaT Center For Human Genetics Tuebingen Variant Classification Criteria Version 2. Collection method: clinical testing. Allele origin: germline. Affected: yes. Observed: 2 variant alleles.
Comment: SHISA8: BP4, BS2

NM_001207020.3(SHISA8):c.1162A>G (p.Arg388Gly)

Gene: SHISA8 (shisa family member 8; minus strand). Cytogenetic location: 22q13.2.
Variant type: single nucleotide variant.
Coding change: c.1162A>G on transcript NM_001207020.3 (MANE Select); coding-DNA position 1162, A replaced by G.
Protein change: p.Arg388Gly; replaces arginine 388 with glycine.
Molecular consequence: missense variant.
Genome position (GRCh38, 1-based): chr22:41,909,797, T>C on the plus strand (A>G on the coding strand, the complement: SHISA8 is on the minus strand). VCF-style: chr22-41909797-T-C. GRCh37 (hg19) VCF-style: chr22-42305801-T-C.
Other names: c.1447A>G, p.Arg483Gly (NM_001353438.2); c.1339A>G, p.Arg447Gly (NM_001353439.2); short protein forms R388G, R447G, R483G.
Identifiers: ClinVar variation 2653235 (VCV002653235.24), dbSNP rs756893043, ClinGen allele CA10262363.